The following is an entry in ClinVar:

ClinVar aggregate classification (germline): Uncertain significance. Review status: criteria provided, multiple submitters, no conflicts (2 of 4 stars). 2 submissions from 2 submitters: Uncertain significance (2). Last evaluated 2025-01-27.

Conditions:
Joubert syndrome. Also called: CEREBELLOPARENCHYMAL DISORDER IV; JOUBERT-BOLTSHAUSER SYNDROME; Familial aplasia of the vermis. Identifiers: Orphanet 475, MedGen C5979921, MONDO:0018772.
Joubert syndrome 3 (JBTS3). Also called: AHI1-related Ciliopathy. Identifiers: Orphanet 220493, MedGen C1837713, MONDO:0012078, OMIM 608629.

Allele frequency attached by ClinVar (database versions not stated): gnomAD exomes below 0.00001; gnomAD 0.00001.
gnomAD v4.1: 2 of 1,613,268 alleles (0.00012%); highest among the groups gnomAD compares: Non-Finnish European, 0.00017%; no homozygotes.

Submissions (2):

Labcorp Genetics (formerly Invitae), Labcorp
Classification: Uncertain significance for Joubert syndrome. Last evaluated: 2025-01-27. Review status: criteria provided, single submitter. Criteria: Invitae Variant Classification Sherloc (09022015). Collection method: clinical testing. Allele origin: germline.
Comment: This sequence change replaces glutamine, which is neutral and polar, with arginine, which is basic and polar, at codon 946 of the AHI1 protein (p.Gln946Arg). This variant is present in population databases (no rsID available, gnomAD 0.007%). This variant has not been reported in the literature in individuals affected with AHI1-related conditions. ClinVar contains an entry for this variant (Variation ID: 1419427). Invitae Evidence Modeling of protein sequence and biophysical properties (such as structural, functional, and spatial information, amino acid conservation, physicochemical variation, residue mobility, and thermodynamic stability) indicates that this missense variant is not expected to disrupt AHI1 protein function with a negative predictive value of 95%. In summary, the available evidence is currently insufficient to determine the role of this variant in disease. Therefore, it has been classified as a Variant of Uncertain Significance.

Fulgent Genetics
Classification: Uncertain significance for Joubert syndrome 3. Last evaluated: 2022-04-19. Review status: criteria provided, single submitter. Criteria: ACMG Guidelines, 2015. Collection method: clinical testing. Allele origin: unknown.

NM_001134831.2(AHI1):c.2837A>G (p.Gln946Arg)

Gene: AHI1 (Abelson helper integration site 1; minus strand). Cytogenetic location: 6q23.3.
Variant type: single nucleotide variant.
Coding change: c.2837A>G on transcript NM_001134831.2 (MANE Select); coding-DNA position 2837, A replaced by G.
Protein change: p.Gln946Arg; replaces glutamine 946 with arginine.
Molecular consequence: missense variant.
Genome position (GRCh38, 1-based): chr6:135,411,472, T>C on the plus strand (A>G on the coding strand, the complement: AHI1 is on the minus strand). VCF-style: chr6-135411472-T-C. GRCh37 (hg19) VCF-style: chr6-135732610-T-C.
Other names: c.2837A>G, p.Gln946Arg (NM_001134830.2, NM_001134832.2, NM_001350503.2 and 2 more transcripts); short protein forms Q946R.
Identifiers: ClinVar variation 1419427 (VCV001419427.8), dbSNP rs1183310371, ClinGen allele CA365846094.